The following is an entry in ClinVar:

NM_015898.4(ZBTB7A):c.83G>A (p.Arg28Gln)

Gene: ZBTB7A (zinc finger and BTB domain containing 7A; minus strand). Cytogenetic location: 19p13.3.
Variant type: single nucleotide variant.
Coding change: c.83G>A on transcript NM_015898.4 (MANE Select); coding-DNA position 83, G replaced by A.
Protein change: p.Arg28Gln; replaces arginine 28 with glutamine.
Molecular consequence: missense variant.
Genome position (GRCh38, 1-based): chr19:4,055,150, C>T on the plus strand (G>A on the coding strand, the complement: ZBTB7A is on the minus strand). VCF-style: chr19-4055150-C-T. GRCh37 (hg19) VCF-style: chr19-4055148-C-T.
Other names: c.83G>A, p.Arg28Gln (NM_001317990.2); short protein forms R28Q.
Identifiers: ClinVar variation 3769680 (VCV003769680.1).

ClinVar aggregate classification (germline): Uncertain significance (1 of 4 stars; one submission).

gnomAD v4.1: 1 of 1,608,428 alleles (0.000062%); no homozygotes.

Submission:

GeneDx
Classification: Uncertain significance. Last evaluated: 2024-09-12. Review status: criteria provided, single submitter. Criteria: GeneDx Variant Classification Process June 2021. Collection method: clinical testing. Allele origin: germline. Affected: yes.
Comment: Not observed at significant frequency in large population cohorts (gnomAD); In silico analysis supports that this missense variant has a deleterious effect on protein structure/function; Has not been previously published as pathogenic or benign to our knowledge